The following is an entry in ClinVar:

ClinVar aggregate classification (germline): Likely benign. Review status: criteria provided, multiple submitters, no conflicts (2 of 4 stars). 2 submissions from 2 submitters: Likely benign (2). Last evaluated 2025-06-01.

Conditions:
Vesicoureteral reflux 2 (VUR2). Identifiers: Orphanet 289365, MedGen C1970483, MONDO:0012573, OMIM 610878.

Allele frequency attached by ClinVar (database versions not stated): gnomAD exomes 0.00005 and 0.00013; ESP Exome Variant Server 0.00008; gnomAD 0.00009; TOPMed 0.00012.
gnomAD v4.1: 209 of 1,613,154 alleles (0.013%); highest among the groups gnomAD compares: Non-Finnish European, 0.016%; 1 homozygote.

Submissions (2):

Labcorp Genetics (formerly Invitae), Labcorp
Classification: Likely benign. Last evaluated: 2025-06-01. Review status: criteria provided, single submitter. Criteria: Invitae Variant Classification Sherloc (09022015). Collection method: clinical testing. Allele origin: germline.

Illumina Laboratory Services, Illumina
Classification: Likely benign for Vesicoureteral reflux 2. Last evaluated: 2017-04-27. Review status: criteria provided, single submitter. Criteria: ICSL Variant Classification Criteria 13 December 2019. Collection method: clinical testing. Allele origin: germline.
Comment: This variant was observed as part of a predisposition screen in an ostensibly healthy population. A literature search was performed for the gene, cDNA change, and amino acid change (where applicable). Publications were found based on this search. The evidence from the literature, in combination with allele frequency data from public databases where available, was sufficient to determine this variant is unlikely to cause disease. Therefore, this variant is classified as likely benign.

Literature cited by the submitters: PubMed 22558067 (cited by Illumina Laboratory Services, Illumina); PubMed 17357069 (cited by Illumina Laboratory Services, Illumina); PubMed 18235093 (cited by Illumina Laboratory Services, Illumina).

NM_001395656.1(ROBO2):c.1380T>C (p.Phe460=)

Gene: ROBO2 (roundabout guidance receptor 2; plus strand). Cytogenetic location: 3p12.3.
Variant type: single nucleotide variant.
Coding change: c.1380T>C on transcript NM_001395656.1 (MANE Select); coding-DNA position 1380, T replaced by C.
Protein change: p.Phe460=; no amino-acid change (phenylalanine 460 retained).
Molecular consequence: synonymous variant. On other transcripts: 5 prime UTR variant (1).
Genome position (GRCh38, 1-based): chr3:77,558,080, T>C. VCF-style: chr3-77558080-T-C. GRCh37 (hg19) VCF-style: chr3-77607231-T-C.
Other names: c.1416T>C, p.Phe472= (NM_001128929.3); c.1380T>C, p.Phe460= (NM_001290039.2, NM_001290040.2, NM_001378202.1); c.-551T>C (NM_001290065.2); c.1428T>C, p.Phe476= (NM_001378190.1, NM_001378191.1, NM_001378195.1 and 4 more transcripts); c.1449T>C, p.Phe483= (NM_001378192.1, NM_001378194.1, NM_001378198.1 and 2 more transcripts); c.1368T>C, p.Phe456= (NM_001378193.1, NM_001378197.1, NM_002942.5); c.1437T>C, p.Phe479= (NM_001394212.1, NM_001394214.1, NM_001395657.1).
Identifiers: ClinVar variation 903339 (VCV000903339.6), dbSNP rs373916600, ClinGen allele CA2497031.